The following is an entry in ClinVar:

NM_006231.4(POLE):c.882G>T (p.Met294Ile)

Gene: POLE (DNA polymerase epsilon, catalytic subunit; minus strand). Cytogenetic location: 12q24.33.
Variant type: single nucleotide variant.
Coding change: c.882G>T on transcript NM_006231.4 (MANE Select); coding-DNA position 882, G replaced by T.
Protein change: p.Met294Ile; replaces methionine 294 with isoleucine.
Molecular consequence: missense variant.
Genome position (GRCh38, 1-based): chr12:132,676,573, C>A on the plus strand (G>T on the coding strand, the complement: POLE is on the minus strand). VCF-style: chr12-132676573-C-A. GRCh37 (hg19) VCF-style: chr12-133253159-C-A.
Other names: short protein forms M294I.
Identifiers: ClinVar variation 473836 (VCV000473836.11), dbSNP rs774328855, ClinGen allele CA387364219.

ClinVar aggregate classification (germline): Uncertain significance. Review status: criteria provided, multiple submitters, no conflicts (2 of 4 stars). 2 submissions from 2 submitters: Uncertain significance (2). Last evaluated 2021-08-18.

Conditions:
Hereditary cancer-predisposing syndrome. Also called: Neoplastic Syndromes, Hereditary; Tumor predisposition; Hereditary Cancer Syndrome; Hereditary neoplastic syndrome. Identifiers: Orphanet 140162, MedGen C0027672, MeSH D009386, MONDO:0015356.

Submissions (2):

Labcorp Genetics (formerly Invitae), Labcorp
Classification: Uncertain significance. Last evaluated: 2021-08-18. Review status: criteria provided, single submitter. Criteria: Invitae Variant Classification Sherloc (09022015). Collection method: clinical testing. Allele origin: germline.
Comment: This sequence change replaces methionine with isoleucine at codon 294 of the POLE protein (p.Met294Ile). The methionine residue is highly conserved and there is a small physicochemical difference between methionine and isoleucine. This variant is not present in population databases (ExAC no frequency). This variant has not been reported in the literature in individuals affected with POLE-related conditions. In summary, the available evidence is currently insufficient to determine the role of this variant in disease. Therefore, it has been classified as a Variant of Uncertain Significance. Algorithms developed to predict the effect of missense changes on protein structure and function are either unavailable or do not agree on the potential impact of this missense change (SIFT: "Deleterious"; PolyPhen-2: "Possibly Damaging"; Align-GVGD: "Class C0"). ClinVar contains an entry for this variant (Variation ID: 473836).

Ambry Genetics
Classification: Uncertain significance for Hereditary cancer-predisposing syndrome. Last evaluated: 2021-06-20. Review status: criteria provided, single submitter. Criteria: Ambry Variant Classification Scheme 2023. Collection method: clinical testing. Allele origin: germline.
Comment: The p.M294I variant (also known as c.882G>T), located in coding exon 9 of the POLE gene, results from a G to T substitution at nucleotide position 882. The methionine at codon 294 is replaced by isoleucine, an amino acid with highly similar properties. This amino acid position is conserved. In addition, the in silico prediction for this alteration is inconclusive. Since supporting evidence is limited at this time, the clinical significance of this alteration remains unclear.